The following is an entry in ClinVar:

NM_004369.4(COL6A3):c.4067C>T (p.Ala1356Val)

Gene: COL6A3 (collagen type VI alpha 3 chain; minus strand). Cytogenetic location: 2q37.3.
Variant type: single nucleotide variant.
Coding change: c.4067C>T on transcript NM_004369.4 (MANE Select); coding-DNA position 4067, C replaced by T.
Protein change: p.Ala1356Val; replaces alanine 1356 with valine.
Molecular consequence: missense variant.
Genome position (GRCh38, 1-based): chr2:237,371,950, G>A on the plus strand (C>T on the coding strand, the complement: COL6A3 is on the minus strand). VCF-style: chr2-237371950-G-A. GRCh37 (hg19) VCF-style: chr2-238280593-G-A.
Other names: c.2846C>T, p.Ala949Val (NM_057164.5); c.3449C>T, p.Ala1150Val (NM_057165.5, NM_057167.4); c.2246C>T, p.Ala749Val (NM_057166.5); short protein forms A1356V, A749V, A949V, A1150V.
Identifiers: ClinVar variation 2729824 (VCV002729824.5), dbSNP rs773386189, ClinGen allele CA2189000.

ClinVar aggregate classification (germline): Uncertain significance. Review status: criteria provided, multiple submitters, no conflicts (2 of 4 stars). 3 submissions from 3 submitters: Uncertain significance (3). Last evaluated 2025-05-16.

Conditions:
Inborn genetic diseases. Identifiers: MedGen C0950123, MeSH D030342.
Bethlem myopathy 1A. Also called: Bethlem myopathy 1; Bethlem Muscular Dystrophy; MYOPATHY, BENIGN CONGENITAL, WITH CONTRACTURES. Identifiers: Orphanet 610, MedGen CN029274, MONDO:0024530, OMIM 158810.

Allele frequency attached by ClinVar (database versions not stated): ExAC 0.00001; TOPMed 0.00001.
gnomAD v4.1: 12 of 1,614,036 alleles (0.00074%); highest among the groups gnomAD compares: South Asian, 0.0022%; no homozygotes.

Submissions (3):

GeneDx
Classification: Uncertain significance. Last evaluated: 2025-05-16. Review status: criteria provided, single submitter. Criteria: GeneDx Variant Classification Process June 2021. Collection method: clinical testing. Allele origin: germline. Affected: yes.
Comment: Not observed at significant frequency in large population cohorts (gnomAD); In silico analysis supports that this missense variant has a deleterious effect on protein structure/function; Has not been previously published as pathogenic or benign to our knowledge

Ambry Genetics
Classification: Uncertain significance for Inborn genetic diseases. Last evaluated: 2025-01-29. Review status: criteria provided, single submitter. Criteria: Ambry Variant Classification Scheme 2023. Collection method: clinical testing. Allele origin: germline.

Labcorp Genetics (formerly Invitae), Labcorp
Classification: Uncertain significance for Bethlem myopathy 1A. Last evaluated: 2024-06-15. Review status: criteria provided, single submitter. Criteria: Invitae Variant Classification Sherloc (09022015). Collection method: clinical testing. Allele origin: germline.
Comment: This sequence change replaces alanine, which is neutral and non-polar, with valine, which is neutral and non-polar, at codon 1356 of the COL6A3 protein (p.Ala1356Val). This variant is present in population databases (rs773386189, gnomAD 0.003%). This variant has not been reported in the literature in individuals affected with COL6A3-related conditions. Advanced modeling of protein sequence and biophysical properties (such as structural, functional, and spatial information, amino acid conservation, physicochemical variation, residue mobility, and thermodynamic stability) performed at Invitae indicates that this missense variant is not expected to disrupt COL6A3 protein function with a negative predictive value of 80%. In summary, the available evidence is currently insufficient to determine the role of this variant in disease. Therefore, it has been classified as a Variant of Uncertain Significance.